The following is an entry in ClinVar:

ClinVar aggregate classification (germline): Conflicting classifications of pathogenicity. Review status: criteria provided, conflicting classifications (1 of 4 stars). 7 submissions from 7 submitters: Uncertain significance (4); Likely benign (2). 1 of the submissions does not count toward it. Last evaluated 2026-02-14.

Conditions:
Saldino-Mainzer syndrome (SRTD9). Also called: short-rib thoracic dysplasia 9 with or without polydactyly; SHORT-RIB THORACIC DYSPLASIA 9 WITHOUT POLYDACTYLY; Renal dysplasia, retinal pigmentary dystrophy, cerebellar ataxia and skeletal dysplasia; CONORENAL SYNDROME. Identifiers: Orphanet 140969, MedGen C1849437, MONDO:0009964, OMIM 266920.
Retinitis pigmentosa 80 (RP80). Identifiers: MedGen C4540439, MONDO:0054708, OMIM 617781.
Microcephaly. Also called: Microcephaly (disease). Identifiers: MedGen C4551563, MONDO:0001149, HP:0000252.
IFT140-related disorder. Also called: IFT140-related condition.
Retinal dystrophy. Also called: Inherited retinal dystrophy. Identifiers: HP:0000556, Orphanet 71862, MedGen C0854723, MeSH D058499, MONDO:0019118.

Allele frequency attached by ClinVar (database versions not stated): gnomAD 0.00002 and 0.00007; gnomAD exomes 0.00006; TOPMed 0.00006; ExAC 0.00016; 1000 Genomes Project 30x 0.00031; 1000 Genomes Project 0.00040.

Submissions (7):

PreventionGenetics, part of Exact Sciences
Classification: Uncertain significance for IFT140-related condition. Last evaluated: 2026-02-14. Review status: criteria provided, single submitter. Criteria: ACMG Guidelines, 2015. Collection method: clinical testing. Allele origin: germline.
Comment: The IFT140 c.3602G>A variant is predicted to result in the amino acid substitution p.Arg1201His. This variant was previously reported as a variant of uncertain significance in a large cohort of individuals with polycystic kidney diseaase (Fujimaru et al. 2024. PubMed ID: 39291187). However, this variant is reported in 0.068% of alleles in individuals of East Asian descent in gnomAD, which may be too frequent to be a primary cause of disease. Although we suspect that this variant may be benign, at this time, the clinical significance of this variant is uncertain due to the absence of conclusive functional and genetic evidence.

Labcorp Genetics (formerly Invitae), Labcorp
Classification: Likely benign for Saldino-Mainzer syndrome. Last evaluated: 2025-12-31. Review status: criteria provided, single submitter. Criteria: Invitae Variant Classification Sherloc (09022015). Collection method: clinical testing. Allele origin: germline.

Dept Of Ophthalmology, Nagoya University
Classification: Likely benign for Retinal dystrophy. Last evaluated: 2023-10-01. Review status: criteria provided, single submitter. Criteria: Submitter's publication. Collection method: research. Allele origin: germline. Affected: yes.

Blueprint Genetics
Classification: Uncertain significance. Last evaluated: 2022-12-19. Review status: criteria provided, single submitter. Criteria: ACMG Guidelines, 2015. Collection method: clinical testing. Allele origin: germline.

Fulgent Genetics
Classification: Uncertain significance for Saldino-Mainzer syndrome; Retinitis pigmentosa 80. Last evaluated: 2021-11-04. Review status: criteria provided, single submitter. Criteria: ACMG Guidelines, 2015. Collection method: clinical testing. Allele origin: unknown.

Illumina Laboratory Services, Illumina
Classification: Uncertain significance for Saldino-Mainzer syndrome. Last evaluated: 2018-01-12. Review status: criteria provided, single submitter. Criteria: ICSL Variant Classification Criteria 13 December 2019. Collection method: clinical testing. Allele origin: germline.

Department of Pediatrics, Samsung Medical Center, Samsung Medical Center
Classification: Uncertain significance for Microcephaly. Review status: no assertion criteria provided. Criteria: ACMG Guidelines, 2015. Collection method: research. Allele origin: germline. Affected: yes. Not counted in ClinVar's aggregate classification.

NM_014714.4(IFT140):c.3602G>A (p.Arg1201His)

Gene: IFT140 (intraflagellar transport 140; minus strand). Cytogenetic location: 16p13.3.
Variant type: single nucleotide variant.
Coding change: c.3602G>A on transcript NM_014714.4 (MANE Select); coding-DNA position 3602, G replaced by A.
Protein change: p.Arg1201His; replaces arginine 1201 with histidine.
Molecular consequence: missense variant.
Genome position (GRCh38, 1-based): chr16:1,520,660, C>T on the plus strand (G>A on the coding strand, the complement: IFT140 is on the minus strand). VCF-style: chr16-1520660-C-T. GRCh37 (hg19) VCF-style: chr16-1570661-C-T.
Other names: short protein forms R1201H.
Identifiers: ClinVar variation 318004 (VCV000318004.18), dbSNP rs147292597, ClinGen allele CA7813098.